The following is an entry in ClinVar:

NM_001105206.3(LAMA4):c.2141A>G (p.Asp714Gly)

Gene: LAMA4 (laminin subunit alpha 4; minus strand). Cytogenetic location: 6q21.
Variant type: single nucleotide variant.
Coding change: c.2141A>G on transcript NM_001105206.3 (MANE Select); coding-DNA position 2141, A replaced by G.
Protein change: p.Asp714Gly; replaces aspartic acid 714 with glycine.
Molecular consequence: missense variant.
Genome position (GRCh38, 1-based): chr6:112,150,543, T>C on the plus strand (A>G on the coding strand, the complement: LAMA4 is on the minus strand). VCF-style: chr6-112150543-T-C. GRCh37 (hg19) VCF-style: chr6-112471745-T-C.
Other names: p.D707G:GAT>GGT; c.2120A>G, p.Asp707Gly (NM_001105207.3, NM_002290.5); short protein forms D707G, D714G.
Identifiers: ClinVar variation 213605 (VCV000213605.4), dbSNP rs782705506, ClinGen allele CA322432.

ClinVar aggregate classification (germline): Uncertain significance (1 of 4 stars; one submission).

Allele frequency attached by ClinVar (database versions not stated): gnomAD exomes 0.00001; ExAC 0.00002; TOPMed 0.00001.
gnomAD v4.1: 3 of 1,613,636 alleles (0.00019%); highest among the groups gnomAD compares: African/African-American, 0.0013%; no homozygotes.

Submission:

GeneDx
Classification: Uncertain significance. Last evaluated: 2015-02-24. Review status: criteria provided, single submitter. Criteria: GeneDx Variant Classification (06012015). Collection method: clinical testing. Allele origin: germline. Affected: yes.
Comment: p.Asp707Gly (GAT>GGT): c.2120 A>G in exon 17 of the LAMA4 gene (NM_002290.3). A variant of unknown significance has been identified in the LAMA4 gene. The D707G variant has not been published as a mutation or as a benign polymorphism to our knowledge. The D707G variant was not observed in approximately 6,500 individuals of European and African American ancestry in the NHLBI Exome Sequencing Project, indicating it is not a common benign variant in these populations. In addition, the D707G variant is a non-conservative amino acid substitution, which is likely to impact secondary protein structure as these residues differ in polarity, charge, size and/or other properties. Moreover, this substitution occurs at a position that is conserved by class across species. However, in silico analysis is inconsistent in its predictions as to whether or not the variant is damaging to the protein structure/function. Therefore, based on the currently available information, it is unclear whether this variant is a pathogenic mutation or a rare benign variant. This variant was found in CARDIOMYOPATHY